The following is an entry in ClinVar:

ClinVar aggregate classification (germline): Uncertain significance (1 of 4 stars; one submission).

Conditions:
Charcot-Marie-Tooth disease axonal type 2F (CMT2F). Also called: CHARCOT-MARIE-TOOTH DISEASE, NEURONAL, TYPE 2F; Charcot-Marie-Tooth Neuropathy Type 2F. Identifiers: Orphanet 99940, MedGen C1847823, MONDO:0011687, OMIM 606595.

Allele frequency attached by ClinVar (database versions not stated): gnomAD exomes 0.00001.

Submission:

Labcorp Genetics (formerly Invitae), Labcorp
Classification: Uncertain significance for Charcot-Marie-Tooth disease axonal type 2F. Last evaluated: 2023-10-14. Review status: criteria provided, single submitter. Criteria: Invitae Variant Classification Sherloc (09022015). Collection method: clinical testing. Allele origin: germline.
Comment: This sequence change replaces threonine, which is neutral and polar, with methionine, which is neutral and non-polar, at codon 110 of the HSPB1 protein (p.Thr110Met). The frequency data for this variant in the population databases is considered unreliable, as metrics indicate poor data quality at this position in the gnomAD database. This variant has not been reported in the literature in individuals affected with HSPB1-related conditions. Advanced modeling of protein sequence and biophysical properties (such as structural, functional, and spatial information, amino acid conservation, physicochemical variation, residue mobility, and thermodynamic stability) performed at Invitae indicates that this missense variant is expected to disrupt HSPB1 protein function. In summary, the available evidence is currently insufficient to determine the role of this variant in disease. Therefore, it has been classified as a Variant of Uncertain Significance.

NM_001540.5(HSPB1):c.329C>T (p.Thr110Met)

Gene: HSPB1 (heat shock protein family B (small) member 1; plus strand). Cytogenetic location: 7q11.23.
Variant type: single nucleotide variant.
Coding change: c.329C>T on transcript NM_001540.5 (MANE Select); coding-DNA position 329, C replaced by T.
Protein change: p.Thr110Met; replaces threonine 110 with methionine.
Molecular consequence: missense variant.
Genome position (GRCh38, 1-based): chr7:76,303,041, C>T. VCF-style: chr7-76303041-C-T. GRCh37 (hg19) VCF-style: chr7-75932358-C-T.
Other names: short protein forms T110M.
Identifiers: ClinVar variation 3004393 (VCV003004393.3), dbSNP rs766016232, ClinGen allele CA4306309.